The following is an entry in ClinVar:

NM_001385012.1(NBEA):c.723+5G>A

Gene: NBEA (neurobeachin; plus strand). Cytogenetic location: 13q13.3.
Variant type: single nucleotide variant.
Coding change: c.723+5G>A on transcript NM_001385012.1 (MANE Select); 5 bases into the intron after coding-DNA position 723, G replaced by A.
Molecular consequence: intron variant.
Genome position (GRCh38, 1-based): chr13:35,045,406, G>A. VCF-style: chr13-35045406-G-A. GRCh37 (hg19) VCF-style: chr13-35619543-G-A.
Other names: c.723+5G>A (NM_015678.5, NM_001379245.1).
Identifiers: ClinVar variation 4085424 (VCV004085424.8).
Genomic context (GRCh38, chr13:35,045,406, plus strand): 5'-TGCCACAGAGACACGGTCCTGATACTTTTTTCAATTTCCCTGGTTGTAGCGCTGCGGTAA[G>A]TTTTAAATACATGTGCTGATTTTTATTTATTTATTTTTAGGTCACCTTTAGTAAGGTTTA-3'

ClinVar aggregate classification (germline): Uncertain significance (1 of 4 stars; one submission).

Submission:

CeGaT Center for Human Genetics Tuebingen
Classification: Uncertain significance. Last evaluated: 2025-07-01. Review status: criteria provided, single submitter. Criteria: CeGaT Center For Human Genetics Tuebingen Variant Classification Criteria Version 2. Collection method: clinical testing. Allele origin: germline. Affected: yes. Observed: 2 variant alleles.
Comment: NBEA: PM1, PM2, PP3